The following is an entry in ClinVar:

ClinVar aggregate classification (germline): Likely benign. Review status: criteria provided, single submitter (1 of 4 stars). 2 submissions from 2 submitters: Likely benign (1). 1 of the submissions does not count toward it. Last evaluated 2024-03-18.

Conditions:
VPS13B-related disorder. Also called: VPS13B-related condition.
Cohen syndrome (COH1). Also called: Cutis verticis gyrata, retinitis pigmentosa, and sensorineural deafness; PEPPER SYNDROME. Identifiers: Orphanet 193, MedGen C0265223, MONDO:0008999, OMIM 216550.

Submissions (2):

Labcorp Genetics (formerly Invitae), Labcorp
Classification: Likely benign for Cohen syndrome. Last evaluated: 2024-03-18. Review status: criteria provided, single submitter. Criteria: Invitae Variant Classification Sherloc (09022015). Collection method: clinical testing. Allele origin: germline.

PreventionGenetics, part of Exact Sciences
Classification: Likely benign for VPS13B-related condition. Last evaluated: 2024-08-05. Review status: no assertion criteria provided. Collection method: clinical testing. Allele origin: germline. Not counted in ClinVar's aggregate classification.
Comment: This variant is classified as likely benign based on ACMG/AMP sequence variant interpretation guidelines (Richards et al. 2015 PMID: 25741868, with internal and published modifications).

NM_152564.5(VPS13B):c.1844-8_1844-4del

Gene: VPS13B (vacuolar protein sorting 13 homolog B; plus strand). Cytogenetic location: 8q22.2.
Variant type: Deletion.
Coding change: c.1844-8_1844-4del on transcript NM_152564.5 (MANE Select); 8 bases into the intron before coding-DNA position 1844 through 4 bases into the intron before coding-DNA position 1844, 5 bases deleted (AATTT; older notation c.1844-8_1844-4delAATTT).
Molecular consequence: intron variant.
Genome position (GRCh38, 1-based): chr8:99,147,833-99,147,837, AATTT deleted; deleting any 5 consecutive bases within chr8:99,147,830-99,147,837 gives the same sequence; the c. name uses the placement nearest the transcript's 3' end. VCF-style (leftmost placement, unchanged base first): chr8-99147829-TTTTAA-T. GRCh37 (hg19) VCF-style: chr8-100160057-TTTTAA-T.
Other names: c.1844-8_1844-4delAATTT (NM_017890.4); c.1844-8_1844-4del (NM_017890.5, NM_015243.3); c.1844-8_1844-4del5 (NM_152564.4).
Identifiers: ClinVar variation 794043 (VCV000794043.11), dbSNP rs745701200, ClinGen allele CA4822766.